The following is an entry in ClinVar:

NM_003924.4(PHOX2B):c.*1387C>T

Gene: PHOX2B (paired like homeobox 2B; minus strand). Cytogenetic location: 4p13.
Variant type: single nucleotide variant.
Coding change: c.*1387C>T on transcript NM_003924.4 (MANE Select); 1387 bases downstream of the stop codon, C replaced by T.
Molecular consequence: 3 prime UTR variant.
Genome position (GRCh38, 1-based): chr4:41,744,420, G>A on the plus strand (C>T on the coding strand, the complement: PHOX2B is on the minus strand). VCF-style: chr4-41744420-G-A. GRCh37 (hg19) VCF-style: chr4-41746437-G-A.
Identifiers: ClinVar variation 348785 (VCV000348785.6), dbSNP rs11723860, ClinGen allele CA10617749.

ClinVar aggregate classification (germline): Benign. Review status: criteria provided, multiple submitters, no conflicts (2 of 4 stars). 3 submissions from 2 submitters: Benign (3). Last evaluated 2018-01-13.

Conditions:
Neuroblastoma, susceptibility to, 2. Identifiers: Orphanet 635, MedGen C2751682, MONDO:0700041, OMIM 613013.
Congenital central hypoventilation. Also called: Congenital Central Hypoventilation Syndrome. Identifiers: Orphanet 661, Orphanet 99803, MedGen C1275808, MONDO:0800031. Disease mechanism: gain of function.

Allele frequency attached by ClinVar (database versions not stated): gnomAD exomes 0.23208; 1000 Genomes Project 0.25180; 1000 Genomes Project 30x 0.25468; gnomAD 0.26122 and 0.26435; TOPMed 0.26185.
gnomAD v4.1: 57,847 of 230,984 alleles (25%); highest among the groups gnomAD compares: African/African-American, 40%; 7,932 homozygotes.

Submissions (3):

Illumina Laboratory Services, Illumina
Classification: Benign for Neuroblastoma, susceptibility to, 2. Last evaluated: 2018-01-13. Review status: criteria provided, single submitter. Criteria: ICSL Variant Classification Criteria 13 December 2019. Collection method: clinical testing. Allele origin: germline.
Comment: This variant was observed in the ICSL laboratory as part of a predisposition screen in an ostensibly healthy population. It had not been previously curated by ICSL or reported in the Human Gene Mutation Database (HGMD: prior to June 1st, 2018), and was therefore a candidate for classification through an automated scoring system. Utilizing variant allele frequency, disease prevalence and penetrance estimates, and inheritance mode, an automated score was calculated to assess if this variant is too frequent to cause the disease. Based on the score and internal cut-off values, a variant classified as benign is not then subjected to further curation. The score for this variant resulted in a classification of benign for this disease.

Illumina Laboratory Services, Illumina
Classification: Benign for Central hypoventilation syndrome, congenital, 1, with or without Hirschsprung disease. Last evaluated: 2018-01-13. Review status: criteria provided, single submitter. Criteria: ICSL Variant Classification Criteria 13 December 2019. Collection method: clinical testing. Allele origin: germline.
Comment: the same text as in the submission from Illumina Laboratory Services, Illumina above.

Breakthrough Genomics
Classification: Benign. Review status: criteria provided, single submitter. Criteria: ACMG Guidelines, 2015. Collection method: not provided. Allele origin: germline. Inheritance: Autosomal dominant inheritance. Affected: yes.